The following is an entry in ClinVar:

ClinVar aggregate classification (germline): Uncertain significance. Review status: criteria provided, multiple submitters, no conflicts (2 of 4 stars). 3 submissions from 3 submitters: Uncertain significance (3). Last evaluated 2024-03-07.

Conditions:
Hypercholesterolemia, autosomal dominant, 3 (FHCL3). Also called: Familial hypercholesterolemia 3; Familial Hypercholesterolemia, Autosomal Dominant, 3; PCSK9-Related Familial Hypercholesterolemia, Autosomal Dominant. Identifiers: MedGen C1863551, MONDO:0011369, OMIM 603776.
Cardiovascular phenotype. Identifiers: MedGen CN230736.
Familial hypercholesterolemia. Also called: Familial hypercholesterolaemia; Familial hypercholesterolemias. Identifiers: MedGen C0020445, MONDO:0005439.

Allele frequency attached by ClinVar (database versions not stated): gnomAD exomes below 0.00001.
gnomAD v4.1: 1 of 1,562,832 alleles (0.000064%); highest among the groups gnomAD compares: Admixed American, 0.0019%; no homozygotes.

Submissions (3):

Color Diagnostics, LLC DBA Color Health
Classification: Uncertain significance for Familial hypercholesterolemia. Last evaluated: 2024-03-07. Review status: criteria provided, single submitter. Criteria: ACMG Guidelines, 2015. Collection method: clinical testing. Allele origin: germline.
Comment: This missense variant replaces glycine with serine at codon 519 of the PCSK9 protein. Computational prediction suggests that this variant may not impact protein structure and function (internally defined REVEL score threshold <= 0.5, PMID: 27666373). To our knowledge, functional studies have not been reported for this variant. This variant has not been reported in individuals affected with familial hypercholesterolemia in the literature. This variant has not been identified in the general population by the Genome Aggregation Database (gnomAD). The available evidence is insufficient to determine the role of this variant in disease conclusively. Therefore, this variant is classified as a Variant of Uncertain Significance.

All of Us Research Program, National Institutes of Health
Classification: Uncertain significance for Hypercholesterolemia, autosomal dominant, 3. Last evaluated: 2023-08-15. Review status: criteria provided, single submitter. Criteria: ACMG Guidelines, 2015. Collection method: clinical testing. Allele origin: germline. Inheritance: Autosomal dominant inheritance. Observed: 1 variant allele, 1 heterozygote.
Comment: This missense variant replaces glycine with serine at codon 519 of the PCSK9 protein. Computational prediction suggests that this variant may not impact protein structure and function (internally defined REVEL score threshold <= 0.5, PMID: 27666373). To our knowledge, functional studies have not been reported for this variant. This variant has not been reported in individuals affected with familial hypercholesterolemia in the literature. This variant has not been identified in the general population by the Genome Aggregation Database (gnomAD). The available evidence is insufficient to determine the role of this variant in disease conclusively. Therefore, this variant is classified as a Variant of Uncertain Significance.

This study involves interpretation of variants in research participants for the purpose of population health screening. Participant phenotype was not available at the time of variant classification. Additional details can be found in publication PMID: 35346344, PMCID: PMC8962531

Ambry Genetics
Classification: Uncertain significance for Cardiovascular phenotype. Last evaluated: 2022-10-23. Review status: criteria provided, single submitter. Criteria: Ambry Variant Classification Scheme 2023. Collection method: clinical testing. Allele origin: germline.
Comment: The p.G519S variant (also known as c.1555G>A), located in coding exon 10 of the PCSK9 gene, results from a G to A substitution at nucleotide position 1555. The glycine at codon 519 is replaced by serine, an amino acid with similar properties. This amino acid position is conserved. In addition, the in silico prediction for this alteration is inconclusive. Since supporting evidence is limited at this time, the clinical significance of this alteration remains unclear.

NM_174936.4(PCSK9):c.1555G>A (p.Gly519Ser)

Gene: PCSK9 (proprotein convertase subtilisin/kexin type 9; plus strand). Cytogenetic location: 1p32.3.
Variant type: single nucleotide variant.
Coding change: c.1555G>A on transcript NM_174936.4 (MANE Select); coding-DNA position 1555, G replaced by A.
Protein change: p.Gly519Ser; replaces glycine 519 with serine.
Molecular consequence: missense variant.
Genome position (GRCh38, 1-based): chr1:55,059,537, G>A. VCF-style: chr1-55059537-G-A. GRCh37 (hg19) VCF-style: chr1-55525210-G-A.
Other names: c.1678G>A, p.Gly560Ser (NM_001407240.1); c.1597G>A, p.Gly533Ser (NM_001407241.1); c.1558G>A, p.Gly520Ser (NM_001407242.1); c.1498G>A, p.Gly500Ser (NM_001407243.1); c.1381G>A, p.Gly461Ser (NM_001407244.1); c.1363G>A, p.Gly455Ser (NM_001407245.1); c.1180G>A, p.Gly394Ser (NM_001407246.1); short protein forms G519S, G500S, G455S, G461S, G520S, G560S, G394S, G533S.
Identifiers: ClinVar variation 1172180 (VCV001172180.8), dbSNP rs2100330525, ClinGen allele CA340479808.